The following is an entry in ClinVar:

ClinVar aggregate classification (germline): Uncertain significance (1 of 4 stars; one submission).

Conditions:
Breast-ovarian cancer, familial, susceptibility to, 1 (BROVCA1). Also called: BRCA1 Hereditary Breast and Ovarian Cancer; OVARIAN CANCER, SUSCEPTIBILITY TO. Identifiers: Orphanet 145, MedGen C2676676, MONDO:0011450, OMIM 604370. Disease mechanism: loss of function.

Submission:

All of Us Research Program, National Institutes of Health
Classification: Uncertain significance for Breast-ovarian cancer, familial, susceptibility to, 1. Last evaluated: 2023-09-17. Review status: criteria provided, single submitter. Criteria: ACMG Guidelines, 2015. Collection method: clinical testing. Allele origin: germline. Inheritance: Autosomal dominant inheritance. Observed: 1 variant allele, 1 heterozygote.
Comment: This missense variant replaces serine with phenylalanine at codon 1572 of the BRCA1 protein. Computational prediction is inconclusive regarding the impact of this variant on protein structure and function (internally defined REVEL score threshold 0.5 < inconclusive < 0.7, PMID: 27666373). To our knowledge, functional studies have not been reported for this variant. This variant has not been reported in individuals affected with BRCA1-related disorders in the literature. This variant has not been identified in the general population by the Genome Aggregation Database (gnomAD). The available evidence is insufficient to determine the role of this variant in disease conclusively. Therefore, this variant is classified as a Variant of Uncertain Significance.

This study involves interpretation of variants in research participants for the purpose of population health screening. Participant phenotype was not available at the time of variant classification. Additional details can be found in publication PMID: 35346344, PMCID: PMC8962531

NM_007294.4(BRCA1):c.4715C>T (p.Ser1572Phe)

Gene: BRCA1 (BRCA1 DNA repair associated; minus strand). Cytogenetic location: 17q21.31.
Variant type: single nucleotide variant.
Coding change: c.4715C>T on transcript NM_007294.4 (MANE Select); coding-DNA position 4715, C replaced by T.
Protein change: p.Ser1572Phe; replaces serine 1572 with phenylalanine.
Molecular consequence: missense variant. On other transcripts: intron variant (1).
Genome position (GRCh38, 1-based): chr17:43,071,199, G>A on the plus strand (C>T on the coding strand, the complement: BRCA1 is on the minus strand). VCF-style: chr17-43071199-G-A. GRCh37 (hg19) VCF-style: chr17-41223216-G-A.
Other names: c.4571C>T, p.Ser1524Phe (NM_001407737.1, NM_001407738.1, NM_001407739.1 and 21 more transcripts); c.4568C>T, p.Ser1523Phe (NM_001407838.1, NM_001407839.1, NM_001407841.1 and 12 more transcripts); c.4715C>T, p.Ser1572Phe (NM_001407854.1, NM_001407593.1, NM_001407594.1 and 8 more transcripts); c.4712C>T, p.Ser1571Phe (NM_001407858.1, NM_001407859.1, NM_001407860.1 and 17 more transcripts); c.4709C>T, p.Ser1570Phe (NM_001407861.1, NM_001407627.1, NM_001407628.1 and 14 more transcripts); c.4514C>T, p.Ser1505Phe (NM_001407862.1); c.4589C>T, p.Ser1530Phe (NM_001407863.1, NM_001407939.1, NM_001407940.1 and 11 more transcripts); c.4508C>T, p.Ser1503Phe (NM_001407874.1, NM_001407875.1); and 71 more; short protein forms S1275F, S1276F, S1403F, S1418F, S1443F, S1444F, S1445F, S1459F.
Identifiers: ClinVar variation 3073447 (VCV003073447.1), dbSNP rs2551065487, ClinGen allele CA10592078.